The following is an entry in ClinVar:

ClinVar aggregate classification (germline): Uncertain significance. Review status: criteria provided, multiple submitters, no conflicts (2 of 4 stars). 2 submissions from 2 submitters: Uncertain significance (2). Last evaluated 2023-12-21.

Conditions:
Early-infantile DEE. Also called: Ohtahara syndrome; Early infantile epileptic encephalopathy; Early infantile epileptic encephalopathy with suppression bursts. Identifiers: Orphanet 1934, MedGen C0393706, MONDO:0800491.
Inborn genetic diseases. Identifiers: MedGen C0950123, MeSH D030342.

Allele frequency attached by ClinVar (database versions not stated): ExAC 0.00001; gnomAD 0.00001; gnomAD exomes 0.00001; TOPMed 0.00001.
gnomAD v4.1: 16 of 1,610,946 alleles (0.00099%); highest among the groups gnomAD compares: South Asian, 0.0022%; no homozygotes.

Submissions (2):

Labcorp Genetics (formerly Invitae), Labcorp
Classification: Uncertain significance for Early-infantile DEE. Last evaluated: 2023-12-21. Review status: criteria provided, single submitter. Criteria: Invitae Variant Classification Sherloc (09022015). Collection method: clinical testing. Allele origin: germline.
Comment: This sequence change replaces arginine, which is basic and polar, with glutamine, which is neutral and polar, at codon 593 of the HCN1 protein (p.Arg593Gln). This variant is present in population databases (rs769934821, gnomAD 0.003%). This variant has not been reported in the literature in individuals affected with HCN1-related conditions. ClinVar contains an entry for this variant (Variation ID: 1036565). Advanced modeling of protein sequence and biophysical properties (such as structural, functional, and spatial information, amino acid conservation, physicochemical variation, residue mobility, and thermodynamic stability) performed at Invitae indicates that this missense variant is not expected to disrupt HCN1 protein function with a negative predictive value of 80%. In summary, the available evidence is currently insufficient to determine the role of this variant in disease. Therefore, it has been classified as a Variant of Uncertain Significance.

Ambry Genetics
Classification: Uncertain significance for Inborn genetic diseases. Last evaluated: 2019-10-02. Review status: criteria provided, single submitter. Criteria: Ambry Variant Classification Scheme 2023. Collection method: clinical testing. Allele origin: germline.
Comment: The p.R593Q variant (also known as c.1778G>A), located in coding exon 7 of the HCN1 gene, results from a G to A substitution at nucleotide position 1778. The arginine at codon 593 is replaced by glutamine, an amino acid with highly similar properties. This amino acid position is highly conserved in available vertebrate species. In addition, the in silico prediction for this alteration is inconclusive. Since supporting evidence is limited at this time, the clinical significance of this alteration remains unclear.

NM_021072.4(HCN1):c.1778G>A (p.Arg593Gln)

Gene: HCN1 (hyperpolarization activated cyclic nucleotide gated potassium channel 1; minus strand). Cytogenetic location: 5p12.
Variant type: single nucleotide variant.
Coding change: c.1778G>A on transcript NM_021072.4 (MANE Select); coding-DNA position 1778, G replaced by A.
Protein change: p.Arg593Gln; replaces arginine 593 with glutamine.
Molecular consequence: missense variant.
Genome position (GRCh38, 1-based): chr5:45,267,094, C>T on the plus strand (G>A on the coding strand, the complement: HCN1 is on the minus strand). VCF-style: chr5-45267094-C-T. GRCh37 (hg19) VCF-style: chr5-45267196-C-T.
Other names: short protein forms R593Q.
Identifiers: ClinVar variation 1036565 (VCV001036565.11), dbSNP rs769934821, ClinGen allele CA3259235.